The following is an entry in ClinVar:

NM_175875.5(SIX5):c.1172G>A (p.Gly391Glu)

Gene: SIX5 (SIX homeobox 5; minus strand). Cytogenetic location: 19q13.32.
Variant type: single nucleotide variant.
Coding change: c.1172G>A on transcript NM_175875.5 (MANE Select); coding-DNA position 1172, G replaced by A.
Protein change: p.Gly391Glu; replaces glycine 391 with glutamic acid.
Molecular consequence: missense variant.
Genome position (GRCh38, 1-based): chr19:45,766,787, C>T on the plus strand (G>A on the coding strand, the complement: SIX5 is on the minus strand). VCF-style: chr19-45766787-C-T. GRCh37 (hg19) VCF-style: chr19-46270045-C-T.
Other names: short protein forms G391E.
Identifiers: ClinVar variation 2800224 (VCV002800224.3), dbSNP rs751264500, ClinGen allele CA9520660.

ClinVar aggregate classification (germline): Uncertain significance (1 of 4 stars; one submission).

Allele frequency attached by ClinVar (database versions not stated): gnomAD exomes 0.00001; ExAC 0.00004.
gnomAD v4.1: 9 of 1,577,336 alleles (0.00057%); highest among the groups gnomAD compares: South Asian, 0.0058%; no homozygotes.

Submission:

Labcorp Genetics (formerly Invitae), Labcorp
Classification: Uncertain significance. Last evaluated: 2023-02-22. Review status: criteria provided, single submitter. Criteria: Invitae Variant Classification Sherloc (09022015). Collection method: clinical testing. Allele origin: germline.
Comment: In summary, the available evidence is currently insufficient to determine the role of this variant in disease. Therefore, it has been classified as a Variant of Uncertain Significance. This sequence change replaces glycine, which is neutral and non-polar, with glutamic acid, which is acidic and polar, at codon 391 of the SIX5 protein (p.Gly391Glu). The frequency data for this variant in the population databases is considered unreliable, as metrics indicate poor data quality at this position in the gnomAD database. This variant has not been reported in the literature in individuals affected with SIX5-related conditions. Advanced modeling of protein sequence and biophysical properties (such as structural, functional, and spatial information, amino acid conservation, physicochemical variation, residue mobility, and thermodynamic stability) performed at Invitae indicates that this missense variant is not expected to disrupt SIX5 protein function.